The following is an entry in ClinVar:

ClinVar aggregate classification (germline): Uncertain significance (1 of 4 stars; one submission).

Conditions:
Multiple congenital anomalies-hypotonia-seizures syndrome 3 (MCAHS3). Also called: GLYCOSYLPHOSPHATIDYLINOSITOL BIOSYNTHESIS DEFECT 7. Identifiers: Orphanet 369837, MedGen C3809356, MONDO:0014165, OMIM 615398.

Allele frequency attached by ClinVar (database versions not stated): gnomAD 0.00001; ExAC 0.00003; 1000 Genomes Project 0.00020; 1000 Genomes Project 30x 0.00031.
gnomAD v4.1: 11 of 1,612,362 alleles (0.00068%); highest among the groups gnomAD compares: Middle Eastern, 0.033%; no homozygotes.

Submission:

Labcorp Genetics (formerly Invitae), Labcorp
Classification: Uncertain significance for Multiple congenital anomalies-hypotonia-seizures syndrome 3. Last evaluated: 2022-03-24. Review status: criteria provided, single submitter. Criteria: Invitae Variant Classification Sherloc (09022015). Collection method: clinical testing. Allele origin: germline.
Comment: Algorithms developed to predict the effect of missense changes on protein structure and function (SIFT, PolyPhen-2, Align-GVGD) all suggest that this variant is likely to be tolerated. This sequence change replaces alanine, which is neutral and non-polar, with proline, which is neutral and non-polar, at codon 346 of the PIGT protein (p.Ala346Pro). This variant is present in population databases (rs569625672, gnomAD 0.003%). This variant has not been reported in the literature in individuals affected with PIGT-related conditions. In summary, the available evidence is currently insufficient to determine the role of this variant in disease. Therefore, it has been classified as a Variant of Uncertain Significance.

NM_015937.6(PIGT):c.1036G>C (p.Ala346Pro)

Gene: PIGT (phosphatidylinositol glycan anchor biosynthesis class T; plus strand). Cytogenetic location: 20q13.12.
Variant type: single nucleotide variant.
Coding change: c.1036G>C on transcript NM_015937.6 (MANE Select); coding-DNA position 1036, G replaced by C.
Protein change: p.Ala346Pro; replaces alanine 346 with proline.
Molecular consequence: missense variant. On other transcripts: non-coding transcript variant (5), intron variant (1).
Genome position (GRCh38, 1-based): chr20:45,421,385, G>C. VCF-style: chr20-45421385-G-C. GRCh37 (hg19) VCF-style: chr20-44050025-G-C.
Other names: c.868G>C, p.Ala290Pro (NM_001184728.3); c.730G>C, p.Ala244Pro (NM_001184730.3); c.1033+692G>C (NM_001184729.3); short protein forms A244P, A346P, A290P.
Identifiers: ClinVar variation 1925669 (VCV001925669.5), dbSNP rs569625672, ClinGen allele CA9878149.